The following is an entry in ClinVar:

ClinVar aggregate classification (germline): Likely pathogenic (1 of 4 stars; one submission).

Conditions:
Autosomal recessive polycystic kidney disease (ARPKD). Also called: AR polycystic kidney disease. Identifiers: Orphanet 731, Orphanet 8378, MedGen C0085548, MeSH D017044, MONDO:0009889.

Submission:

Natera, Inc.
Classification: Likely pathogenic for Autosomal recessive polycystic kidney disease. Last evaluated: 2025-11-12. Review status: criteria provided, single submitter. Criteria: Natera Variant Classification Schema (03/2026). Collection method: clinical testing. Allele origin: germline.
Comment: The c.6020G>T variant in PKHD1 is a missense variant predicted to cause substitution of glycine to valine at amino acid 2007. This variant is rare in the general population with a frequency below the threshold expected for the associated phenotype(s). This variant has been observed in one or more individuals affected with the associated recessive disease, as either homozygous or compound heterozygous with a second variant (PMID: 29801666, 24162162). Computational prediction algorithms indicate this variant is likely to affect gene or protein function. Given the available evidence, this variant is classified as Likely Pathogenic.

Literature cited by the submitters: PubMed 29801666; PubMed 24162162.

NM_138694.4(PKHD1):c.6020G>T (p.Gly2007Val)

Gene: PKHD1 (PKHD1 ciliary IPT domain containing fibrocystin/polyductin; minus strand). Cytogenetic location: 6p12.2.
Variant type: single nucleotide variant.
Coding change: c.6020G>T on transcript NM_138694.4 (MANE Select); coding-DNA position 6020, G replaced by T.
Protein change: p.Gly2007Val; replaces glycine 2007 with valine.
Molecular consequence: missense variant.
Genome position (GRCh38, 1-based): chr6:51,934,211, C>A on the plus strand (G>T on the coding strand, the complement: PKHD1 is on the minus strand). VCF-style: chr6-51934211-C-A. GRCh37 (hg19) VCF-style: chr6-51799009-C-A.
Other names: c.6020G>T, p.Gly2007Val (NM_170724.3); short protein forms G2007V.
Identifiers: ClinVar variation 4816707 (VCV004816707.1).